The following is an entry in ClinVar:

ClinVar aggregate classification (germline): Benign. Review status: criteria provided, multiple submitters, no conflicts (2 of 4 stars). 4 submissions from 4 submitters: Benign (3). 1 of the submissions does not count toward it. Last evaluated 2016-04-04.

Conditions:
Nemaline myopathy 2 (NEM2). Also called: Nemaline myopathy 2, autosomal recessive. Identifiers: MedGen C1850569, MONDO:0009725, OMIM 256030.

Allele frequency attached by ClinVar (database versions not stated): gnomAD 0.01898 and 0.01666; TOPMed 0.01853; gnomAD exomes 0.03162 and 0.00928; 1000 Genomes Project 0.05012; 1000 Genomes Project 30x 0.04716; ExAC 0.08824.
gnomAD v4.1: 15,672 of 1,492,632 alleles (1%); highest among the groups gnomAD compares: East Asian, 14%; 923 homozygotes.

Submissions (4):

GeneDx
Classification: Benign. Last evaluated: 2016-04-04. Review status: criteria provided, single submitter. Criteria: GeneDx Variant Classification (06012015). Collection method: clinical testing. Allele origin: germline. Affected: yes.
Comment: This variant is considered likely benign or benign based on one or more of the following criteria: it is a conservative change, it occurs at a poorly conserved position in the protein, it is predicted to be benign by multiple in silico algorithms, and/or has population frequency not consistent with disease.

Breakthrough Genomics
Classification: Benign. Review status: criteria provided, single submitter. Criteria: ACMG Guidelines, 2015. Collection method: not provided. Allele origin: germline. Inheritance: Autosomal recessive inheritance. Affected: yes.

PreventionGenetics, part of Exact Sciences
Classification: Benign. Review status: criteria provided, single submitter. Criteria: ACMG Guidelines, 2015. Collection method: clinical testing. Allele origin: germline.

Natera, Inc.
Classification: Uncertain significance for Nemaline myopathy type 2. Last evaluated: 2025-02-20. Review status: no assertion criteria provided. Collection method: clinical testing. Allele origin: germline. Not counted in ClinVar's aggregate classification.

NM_001164508.2(NEB):c.16542C>G (p.Ala5514=)

Gene: NEB (nebulin; minus strand). Cytogenetic location: 2q23.3.
Variant type: single nucleotide variant.
Coding change: c.16542C>G on transcript NM_001164508.2 (MANE Select); coding-DNA position 16542, C replaced by G.
Protein change: p.Ala5514=; no amino-acid change (alanine 5514 retained).
Molecular consequence: synonymous variant. On other transcripts: intron variant (1).
Genome position (GRCh38, 1-based): chr2:151,579,500, G>C on the plus strand (C>G on the coding strand, the complement: NEB is on the minus strand). VCF-style: chr2-151579500-G-C. GRCh37 (hg19) VCF-style: chr2-152436014-G-C.
Other names: c.16542C>G, p.Ala5514= (NM_001164507.2, NM_001271208.2); c.11602-3146C>G (NM_004543.5).
Identifiers: ClinVar variation 257763 (VCV000257763.4), dbSNP rs200602229, ClinGen allele CA1908421.